The following is an entry in ClinVar:

ClinVar aggregate classification (germline): Pathogenic. Review status: criteria provided, multiple submitters, no conflicts (2 of 4 stars). 2 submissions from 2 submitters: Pathogenic (2). Last evaluated 2024-11-21.

Conditions:
Autosomal recessive limb-girdle muscular dystrophy type 2A (LGMDR1). Also called: Calpainopathy; Muscular dystrophy, limb-girdle, type 2A, Amish; LEYDEN-MOEBIUS MUSCULAR DYSTROPHY; MUSCULAR DYSTROPHY, PELVOFEMORAL; Limb-girdle muscular dystrophy, type 2A. Identifiers: Orphanet 267, MedGen C1869123, MONDO:0009675, OMIM 253600. Disease mechanism: loss of function.
Muscular dystrophy, limb-girdle, autosomal dominant 4. Also called: Calpain-3-related limb-girdle muscular dystrophy D4; MUSCULAR DYSTROPHY, LIMB-GIRDLE, TYPE 1I. Identifiers: Orphanet 565909, MedGen C4748295, MONDO:0029133, OMIM 618129.

Allele frequency attached by ClinVar (database versions not stated): gnomAD exomes below 0.00001.
gnomAD v4.1: 1 of 1,614,036 alleles (0.000062%); highest among the groups gnomAD compares: Non-Finnish European, 0.000085%; no homozygotes.

Submissions (2):

Natera, Inc.
Classification: Pathogenic for Limb-girdle muscular dystrophy type 2A. Last evaluated: 2024-11-21. Review status: criteria provided, single submitter. Criteria: Natera Variant Classification Schema (03/2026). Collection method: clinical testing. Allele origin: germline.
Comment: The c.2289T>G variant in CAPN3 is a nonsense variant predicted to introduce a stop codon at amino acid 763. This variant is expected to result in nonsense mediated decay, truncation, or a dysfunctional protein product. This variant is rare in the general population with a frequency below the threshold expected for the associated phenotype(s). This variant has been observed in one or more individuals affected with the associated recessive disease, as either homozygous or compound heterozygous with a second variant (PMID: 28403181, 29797799). Given the available evidence, this variant is classified as Pathogenic.

Baylor Genetics
Classification: Pathogenic for Muscular dystrophy, limb-girdle, autosomal dominant 4. Last evaluated: 2023-08-31. Review status: criteria provided, single submitter. Criteria: ACMG Guidelines, 2015. Collection method: clinical testing. Allele origin: unknown.

Literature cited by the submitters: PubMed 28403181 (cited by Natera, Inc.); PubMed 29797799 (cited by Natera, Inc.).

NM_000070.3(CAPN3):c.2289T>G (p.Tyr763Ter)

Gene: CAPN3 (calpain 3; plus strand). Cytogenetic location: 15q15.1.
Variant type: single nucleotide variant.
Coding change: c.2289T>G on transcript NM_000070.3 (MANE Select); coding-DNA position 2289, T replaced by G.
Protein change: p.Tyr763Ter; replaces tyrosine 763 with a stop codon.
Molecular consequence: nonsense.
Genome position (GRCh38, 1-based): chr15:42,410,909, T>G. VCF-style: chr15-42410909-T-G. GRCh37 (hg19) VCF-style: chr15-42703107-T-G.
Other names: c.753T>G, p.Tyr251Ter (NM_173088.2); c.294T>G, p.Tyr98Ter (NM_173089.2, NM_173090.2); c.*1387T>G (NM_212464.2); c.*1964T>G (NM_212467.2); c.2271T>G, p.Tyr757Ter (NM_024344.2); c.2013T>G, p.Tyr671Ter (NM_173087.2); c.2289T>G (NM_000070.2); short protein forms Y251*, Y671*, Y757*, Y763*, Y98*.
Identifiers: ClinVar variation 2680369 (VCV002680369.2), dbSNP rs2548294345, ClinGen allele CA392002005.